The following is an entry in ClinVar:

ClinVar aggregate classification (germline): Uncertain significance. Review status: criteria provided, multiple submitters, no conflicts (2 of 4 stars). 7 submissions from 7 submitters: Uncertain significance (7). Last evaluated 2026-09-15.

Conditions:
Familial ovarian cancer. Identifiers: MedGen C5679802, MONDO:0016248.
Peutz-Jeghers syndrome (PJS). Also called: POLYPOSIS, HAMARTOMATOUS INTESTINAL; POLYPS-AND-SPOTS SYNDROME; Peutz-Jeghers polyposis; Periorificial lentiginosis syndrome. Identifiers: Orphanet 2869, MedGen C0031269, MeSH D010580, MONDO:0008280, OMIM 175200.
STK11-related disorder. Also called: STK11-related condition.
Hereditary cancer-predisposing syndrome. Also called: Neoplastic Syndromes, Hereditary; Hereditary Cancer Syndrome; Tumor predisposition; Hereditary neoplastic syndrome. Identifiers: Orphanet 140162, MedGen C0027672, MeSH D009386, MONDO:0015356.
Melanoma, cutaneous malignant, susceptibility to, 1 (CMM1). Also called: DYSPLASTIC NEVUS SYNDROME, HEREDITARY; FAMILIAL ATYPICAL MOLE-MALIGNANT MELANOMA SYNDROME; MELANOMA, MALIGNANT; B-K MOLE SYNDROME. Identifiers: Orphanet 618, MedGen C1835047, MONDO:0007963, OMIM 155600.

Allele frequency attached by ClinVar (database versions not stated): gnomAD 0.00001; TOPMed 0.00001.
gnomAD v4.1: 5 of 1,583,982 alleles (0.00032%); highest among the groups gnomAD compares: Non-Finnish European, 0.00043%; no homozygotes.

Submissions (7):

PreventionGenetics, part of Exact Sciences
Classification: Uncertain significance for STK11-related condition. Last evaluated: 2026-09-15. Review status: criteria provided, single submitter. Criteria: ACMG Guidelines, 2015. Collection method: clinical testing. Allele origin: germline.
Comment: The STK11 c.605A>G variant is predicted to result in the amino acid substitution p.His202Arg. To our knowledge, this variant has not been reported in the literature in individuals affected with STK11-related conditions or a large population database (gnomAD), indicating it is rare. It is classified as uncertain in ClinVar (Variation ID: 480714). Experimental studies are inconclusive on the effect of this variant on STK11 protein function (Donnelly et al. 2021. PubMed ID: 34849607). At this time, the clinical significance of this variant is uncertain due to the absence of conclusive functional and genetic evidence.

Ambry Genetics
Classification: Uncertain significance for Hereditary cancer-predisposing syndrome. Last evaluated: 2025-06-04. Review status: criteria provided, single submitter. Criteria: Ambry Variant Classification Scheme 2023. Collection method: clinical testing. Allele origin: germline.
Comment: The p.H202R variant (also known as c.605A>G), located in coding exon 5 of the STK11 gene, results from an A to G substitution at nucleotide position 605. The histidine at codon 202 is replaced by arginine, an amino acid with highly similar properties. This amino acid position is well conserved in available vertebrate species. In addition, the in silico prediction for this alteration is inconclusive. Based on the available evidence, the clinical significance of this variant remains unclear.

Labcorp Genetics (formerly Invitae), Labcorp
Classification: Uncertain significance for Peutz-Jeghers syndrome. Last evaluated: 2025-04-20. Review status: criteria provided, single submitter. Criteria: Invitae Variant Classification Sherloc (09022015). Collection method: clinical testing. Allele origin: germline.
Comment: This sequence change replaces histidine, which is basic and polar, with arginine, which is basic and polar, at codon 202 of the STK11 protein (p.His202Arg). This variant is not present in population databases (gnomAD no frequency). This variant has not been reported in the literature in individuals affected with STK11-related conditions. ClinVar contains an entry for this variant (Variation ID: 480714). Invitae Evidence Modeling of protein sequence and biophysical properties (such as structural, functional, and spatial information, amino acid conservation, physicochemical variation, residue mobility, and thermodynamic stability) indicates that this missense variant is not expected to disrupt STK11 protein function with a negative predictive value of 95%. Experimental studies are conflicting or provide insufficient evidence to determine the effect of this variant on STK11 function (PMID: 34849607). In summary, the available evidence is currently insufficient to determine the role of this variant in disease. Therefore, it has been classified as a Variant of Uncertain Significance.

Quest Diagnostics Nichols Institute San Juan Capistrano
Classification: Uncertain significance. Last evaluated: 2023-12-21. Review status: criteria provided, single submitter. Criteria: Quest Diagnostics criteria. Collection method: clinical testing. Allele origin: unknown.
Comment: The STK11 c.605A>G (p.His202Arg) variant has been reported in the published literature in a functional study that showed conflicting results regarding the variant's impact on protein function (PMID: 34849607 (2021)). The frequency of this variant in the general population, 0.000013 (2/151874 chromosomes (Genome Aggregation Database)), is uninformative in the assessment of its pathogenicity. Analysis of this variant using bioinformatics tools for the prediction of the effect of amino acid changes on protein structure and function yielded predictions that this variant is benign. Based on the available information, we are unable to determine the clinical significance of this variant.

All of Us Research Program, National Institutes of Health
Classification: Uncertain significance for Peutz-Jeghers syndrome. Last evaluated: 2023-12-01. Review status: criteria provided, single submitter. Criteria: ACMG Guidelines, 2015. Collection method: clinical testing. Allele origin: germline. Inheritance: Autosomal dominant inheritance. Observed: 3 variant alleles, 3 heterozygotes.
Comment: This missense variant replaces histidine with arginine at codon 202 in the STK11 protein. Computational prediction suggests that this variant may not impact protein structure and function (internally defined REVEL score threshold <= 0.5, PMID: 27666373). To our knowledge, functional studies have not been reported for this variant. This variant has not been reported in individuals affected with STK11-related disorders in the literature. This variant has not been identified in the general population by the Genome Aggregation Database (gnomAD). The available evidence is insufficient to determine the role of this variant in disease conclusively. Therefore, this variant is classified as a Variant of Uncertain Significance.

This study involves interpretation of variants in research participants for the purpose of population health screening. Participant phenotype was not available at the time of variant classification. Additional details can be found in publication PMID: 35346344, PMCID: PMC8962531

Baylor Genetics
Classification: Uncertain significance for Melanoma, cutaneous malignant, susceptibility to, 1. Last evaluated: 2023-10-04. Review status: criteria provided, single submitter. Criteria: ACMG Guidelines, 2015. Collection method: clinical testing. Allele origin: unknown.

Genome-Nilou Lab
Classification: Uncertain significance for Peutz-Jeghers syndrome. Last evaluated: 2021-07-15. Review status: criteria provided, single submitter. Criteria: ACMG Guidelines, 2015. Collection method: clinical testing. Allele origin: germline. Affected: no.

Literature cited by the submitters: PubMed 34849607 (cited by 3 submitters).

NM_000455.5(STK11):c.605A>G (p.His202Arg)

Gene: STK11 (serine/threonine kinase 11; plus strand). Cytogenetic location: 19p13.3.
Variant type: single nucleotide variant.
Coding change: c.605A>G on transcript NM_000455.5 (MANE Select); coding-DNA position 605, A replaced by G.
Protein change: p.His202Arg; replaces histidine 202 with arginine.
Molecular consequence: missense variant.
Genome position (GRCh38, 1-based): chr19:1,220,588, A>G. VCF-style: chr19-1220588-A-G. GRCh37 (hg19) VCF-style: chr19-1220587-A-G.
Other names: short protein forms H202R.
Identifiers: ClinVar variation 480714 (VCV000480714.21), dbSNP rs1206092648, ClinGen allele CA402949419.